The following is an entry in ClinVar:

ClinVar aggregate classification (germline): Uncertain significance. Review status: criteria provided, multiple submitters, no conflicts (2 of 4 stars). 2 submissions from 2 submitters: Uncertain significance (2). Last evaluated 2026-07-31.

Conditions:
Brugada syndrome 8 (BRGDA8). Identifiers: Orphanet 130, MedGen C2751083, MONDO:0013148, OMIM 613123.
Cardiovascular phenotype. Identifiers: MedGen CN230736.

Submissions (2):

Ambry Genetics
Classification: Uncertain significance for Cardiovascular phenotype. Last evaluated: 2026-07-31. Review status: criteria provided, single submitter. Criteria: Ambry Variant Classification Scheme 2023. Collection method: clinical testing. Allele origin: germline.
Comment: The p.N730H variant (also known as c.2188A>C), located in coding exon 8 of the HCN4 gene, results from an A to C substitution at nucleotide position 2188. The asparagine at codon 730 is replaced by histidine, an amino acid with similar properties. This amino acid position is conserved. In addition, this alteration is predicted to be tolerated by in silico analysis. Based on the available evidence, the clinical significance of this variant remains unclear.

Labcorp Genetics (formerly Invitae), Labcorp
Classification: Uncertain significance for Brugada syndrome 8. Last evaluated: 2024-10-10. Review status: criteria provided, single submitter. Criteria: Invitae Variant Classification Sherloc (09022015). Collection method: clinical testing. Allele origin: germline.
Comment: This sequence change replaces asparagine, which is neutral and polar, with histidine, which is basic and polar, at codon 730 of the HCN4 protein (p.Asn730His). This variant is not present in population databases (gnomAD no frequency). This variant has not been reported in the literature in individuals affected with HCN4-related conditions. Invitae Evidence Modeling of protein sequence and biophysical properties (such as structural, functional, and spatial information, amino acid conservation, physicochemical variation, residue mobility, and thermodynamic stability) indicates that this missense variant is not expected to disrupt HCN4 protein function with a negative predictive value of 95%. In summary, the available evidence is currently insufficient to determine the role of this variant in disease. Therefore, it has been classified as a Variant of Uncertain Significance.

NM_005477.3(HCN4):c.2188A>C (p.Asn730His)

Gene: HCN4 (hyperpolarization activated cyclic nucleotide gated potassium channel 4; minus strand). Cytogenetic location: 15q24.1.
Variant type: single nucleotide variant.
Coding change: c.2188A>C on transcript NM_005477.3 (MANE Select); coding-DNA position 2188, A replaced by C.
Protein change: p.Asn730His; replaces asparagine 730 with histidine.
Molecular consequence: missense variant.
Genome position (GRCh38, 1-based): chr15:73,323,905, T>G on the plus strand (A>C on the coding strand, the complement: HCN4 is on the minus strand). VCF-style: chr15-73323905-T-G. GRCh37 (hg19) VCF-style: chr15-73616246-T-G.
Other names: c.2188A>C (NM_005477.2); short protein forms N730H.
Identifiers: ClinVar variation 3698387 (VCV003698387.3).